The following is an entry in ClinVar:

ClinVar aggregate classification (germline): Uncertain significance. Review status: criteria provided, multiple submitters, no conflicts (2 of 4 stars). 2 submissions from 2 submitters: Uncertain significance (2). Last evaluated 2024-05-23.

Conditions:
Severe early-onset pulmonary alveolar proteinosis due to MARS deficiency. Also called: PULMONARY ALVEOLAR PROTEINOSIS, REUNION ISLAND; Interstitial lung and liver disease. Identifiers: Orphanet 440427, MedGen C4225400, MONDO:0014206, OMIM 615486.
Charcot-Marie-Tooth disease axonal type 2U. Also called: CHARCOT-MARIE-TOOTH NEUROPATHY, TYPE 2U; CHARCOT-MARIE-TOOTH DISEASE, AXONAL, AUTOSOMAL DOMINANT, TYPE 2U. Identifiers: Orphanet 397735, MedGen C4084821, MONDO:0014566, OMIM 616280.

Allele frequency attached by ClinVar (database versions not stated): gnomAD exomes below 0.00001.
gnomAD v4.1: 4 of 1,614,044 alleles (0.00025%); highest among the groups gnomAD compares: Non-Finnish European, 0.00034%; no homozygotes.

Submissions (2):

Labcorp Genetics (formerly Invitae), Labcorp
Classification: Uncertain significance for Charcot-Marie-Tooth disease axonal type 2U; Severe early-onset pulmonary alveolar proteinosis due to MARS deficiency. Last evaluated: 2024-05-23. Review status: criteria provided, single submitter. Criteria: Invitae Variant Classification Sherloc (09022015). Collection method: clinical testing. Allele origin: germline.
Comment: This sequence change replaces glutamic acid, which is acidic and polar, with lysine, which is basic and polar, at codon 429 of the MARS protein (p.Glu429Lys). This variant is not present in population databases (gnomAD no frequency). This variant has not been reported in the literature in individuals affected with MARS-related conditions. An algorithm developed to predict the effect of missense changes on protein structure and function (PolyPhen-2) suggests that this variant is likely to be disruptive. In summary, the available evidence is currently insufficient to determine the role of this variant in disease. Therefore, it has been classified as a Variant of Uncertain Significance.

Ambry Genetics
Classification: Uncertain significance. Last evaluated: 2024-03-18. Review status: criteria provided, single submitter. Criteria: Ambry Variant Classification Scheme 2023. Collection method: clinical testing. Allele origin: germline.

NM_004990.4(MARS1):c.1285G>A (p.Glu429Lys)

Gene: MARS1 (methionyl-tRNA synthetase 1; plus strand). Cytogenetic location: 12q13.3.
Variant type: single nucleotide variant.
Coding change: c.1285G>A on transcript NM_004990.4 (MANE Select); coding-DNA position 1285, G replaced by A.
Protein change: p.Glu429Lys; replaces glutamic acid 429 with lysine.
Molecular consequence: missense variant.
Genome position (GRCh38, 1-based): chr12:57,500,514, G>A. VCF-style: chr12-57500514-G-A. GRCh37 (hg19) VCF-style: chr12-57894297-G-A.
Other names: c.1285G>A (NM_004990.3); short protein forms E429K.
Identifiers: ClinVar variation 2937995 (VCV002937995.4), dbSNP rs1876872025, ClinGen allele CA385458559.
Genomic context (GRCh38, chr12:57,500,514, plus strand): 5'-GGCTATGAGGAGGCTCGGGGTGACCAGTGTGACAAGTGTGGCAAGCTCATCAATGCTGTC[G>A]AGCTTAAGGTAAGAGGAGGGTCTCCATGGGAGCCCGGAAGGAGACAGTCCTTATTCTTAA-3'
Protein context (NP_004981.2, residues 419-439): DKCGKLINAV[Glu429Lys]LKKPQCKVCR